The following is an entry in ClinVar:

ClinVar aggregate classification (germline): Pathogenic (1 of 4 stars; one submission).

Conditions:
Joubert syndrome. Also called: CEREBELLOPARENCHYMAL DISORDER IV; JOUBERT-BOLTSHAUSER SYNDROME; Familial aplasia of the vermis. Identifiers: Orphanet 475, MedGen C5979921, MONDO:0018772.
Meckel-Gruber syndrome. Also called: DYSENCEPHALIA SPLANCHNOCYSTICA; GRUBER SYNDROME; Dysencephalia splachnocystica. Identifiers: Orphanet 564, MedGen C0265215, MONDO:0018921.

gnomAD v4.1: 8 of 1,611,988 alleles (0.0005%); highest among the groups gnomAD compares: Non-Finnish European, 0.00068%; no homozygotes.

Submission:

Labcorp Genetics (formerly Invitae), Labcorp
Classification: Pathogenic for Joubert syndrome; Meckel-Gruber syndrome. Last evaluated: 2023-12-20. Review status: criteria provided, single submitter. Criteria: Invitae Variant Classification Sherloc (09022015). Collection method: clinical testing. Allele origin: germline.
Comment: This sequence change creates a premature translational stop signal (p.Glu62*) in the TCTN2 gene. It is expected to result in an absent or disrupted protein product. Loss-of-function variants in TCTN2 are known to be pathogenic (PMID: 21565611). This variant is not present in population databases (gnomAD no frequency). This variant has not been reported in the literature in individuals affected with TCTN2-related conditions. ClinVar contains an entry for this variant (Variation ID: 1953137). For these reasons, this variant has been classified as Pathogenic.

Literature cited by the submitters: PubMed 21565611.

NM_024809.5(TCTN2):c.184G>T (p.Glu62Ter)

Gene: TCTN2 (tectonic family member 2; plus strand). Cytogenetic location: 12q24.31.
Variant type: single nucleotide variant.
Coding change: c.184G>T on transcript NM_024809.5 (MANE Select); coding-DNA position 184, G replaced by T.
Protein change: p.Glu62Ter; replaces glutamic acid 62 with a stop codon.
Molecular consequence: nonsense.
Genome position (GRCh38, 1-based): chr12:123,671,608, G>T. VCF-style: chr12-123671608-G-T. GRCh37 (hg19) VCF-style: chr12-124156155-G-T.
Other names: c.184G>T, p.Glu62Ter (NM_001143850.3, NM_001410989.1); short protein forms E62*.
Identifiers: ClinVar variation 1953137 (VCV001953137.5), dbSNP rs774994149, ClinGen allele CA387155161.